The following is an entry in ClinVar:

NM_152617.4(RNF168):c.1429C>G (p.Arg477Gly)

Gene: RNF168 (ring finger protein 168; minus strand). Cytogenetic location: 3q29.
Variant type: single nucleotide variant.
Coding change: c.1429C>G on transcript NM_152617.4 (MANE Select); coding-DNA position 1429, C replaced by G.
Protein change: p.Arg477Gly; replaces arginine 477 with glycine.
Molecular consequence: missense variant.
Genome position (GRCh38, 1-based): chr3:196,472,106, G>C on the plus strand (C>G on the coding strand, the complement: RNF168 is on the minus strand). VCF-style: chr3-196472106-G-C. GRCh37 (hg19) VCF-style: chr3-196198977-G-C.
Other names: short protein forms R477G.
Identifiers: ClinVar variation 1461434 (VCV001461434.5), dbSNP rs751363298, ClinGen allele CA2780655.

ClinVar aggregate classification (germline): Uncertain significance (1 of 4 stars; one submission).

gnomAD v4.1: 44 of 1,613,660 alleles (0.0027%); highest among the groups gnomAD compares: South Asian, 0.0055%; no homozygotes.

Submission:

Labcorp Genetics (formerly Invitae), Labcorp
Classification: Uncertain significance. Last evaluated: 2021-08-14. Review status: criteria provided, single submitter. Criteria: Invitae Variant Classification Sherloc (09022015). Collection method: clinical testing. Allele origin: germline.
Comment: This sequence change replaces arginine with glycine at codon 477 of the RNF168 protein (p.Arg477Gly). The arginine residue is highly conserved and there is a moderate physicochemical difference between arginine and glycine. This variant is present in population databases (rs751363298, ExAC 0.01%). This variant has not been reported in the literature in individuals affected with RNF168-related conditions. Algorithms developed to predict the effect of missense changes on protein structure and function are either unavailable or do not agree on the potential impact of this missense change (SIFT: "Deleterious"; PolyPhen-2: "Probably Damaging"; Align-GVGD: "Class C0"). In summary, the available evidence is currently insufficient to determine the role of this variant in disease. Therefore, it has been classified as a Variant of Uncertain Significance.